The following is an entry in ClinVar:

NM_001376.5(DYNC1H1):c.2149A>G (p.Ile717Val)

Gene: DYNC1H1 (dynein cytoplasmic 1 heavy chain 1; plus strand). Cytogenetic location: 14q32.31.
Variant type: single nucleotide variant.
Coding change: c.2149A>G on transcript NM_001376.5 (MANE Select); coding-DNA position 2149, A replaced by G.
Protein change: p.Ile717Val; replaces isoleucine 717 with valine.
Molecular consequence: missense variant.
Genome position (GRCh38, 1-based): chr14:101,986,374, A>G. VCF-style: chr14-101986374-A-G. GRCh37 (hg19) VCF-style: chr14-102452711-A-G.
Other names: short protein forms I717V.
Identifiers: ClinVar variation 2919929 (VCV002919929.3), dbSNP rs765502137, ClinGen allele CA7351776.

ClinVar aggregate classification (germline): Uncertain significance (1 of 4 stars; one submission).

Conditions:
Charcot-Marie-Tooth disease axonal type 2O. Also called: CHARCOT-MARIE-TOOTH NEUROPATHY, AXONAL, TYPE 2O; CHARCOT-MARIE-TOOTH DISEASE, AXONAL, AUTOSOMAL DOMINANT, TYPE 2O; Charcot-Marie-Tooth Neuropathy Type 2O; Charcot-Marie-Tooth disease, axonal, type 20. Identifiers: Orphanet 284232, MedGen C3280220, MONDO:0013644, OMIM 614228.

Allele frequency attached by ClinVar (database versions not stated): ExAC 0.00001.
gnomAD v4.1: 2 of 1,614,108 alleles (0.00012%); highest among the groups gnomAD compares: Non-Finnish European, 0.000085%; no homozygotes.

Submission:

Labcorp Genetics (formerly Invitae), Labcorp
Classification: Uncertain significance for Charcot-Marie-Tooth disease axonal type 2O. Last evaluated: 2023-01-20. Review status: criteria provided, single submitter. Criteria: Invitae Variant Classification Sherloc (09022015). Collection method: clinical testing. Allele origin: germline.
Comment: This sequence change replaces isoleucine, which is neutral and non-polar, with valine, which is neutral and non-polar, at codon 717 of the DYNC1H1 protein (p.Ile717Val). In summary, the available evidence is currently insufficient to determine the role of this variant in disease. Therefore, it has been classified as a Variant of Uncertain Significance. Advanced modeling of protein sequence and biophysical properties (such as structural, functional, and spatial information, amino acid conservation, physicochemical variation, residue mobility, and thermodynamic stability) has been performed at Invitae for this missense variant, however the output from this modeling did not meet the statistical confidence thresholds required to predict the impact of this variant on DYNC1H1 protein function. This variant has not been reported in the literature in individuals affected with DYNC1H1-related conditions. This variant is present in population databases (rs765502137, gnomAD 0.0009%).